The following is an entry in ClinVar:

ClinVar aggregate classification (germline): Uncertain significance. Review status: criteria provided, multiple submitters, no conflicts (2 of 4 stars). 2 submissions from 2 submitters: Uncertain significance (2). Last evaluated 2022-02-09.

Conditions:
Joubert syndrome 3 (JBTS3). Also called: AHI1-related Ciliopathy. Identifiers: Orphanet 220493, MedGen C1837713, MONDO:0012078, OMIM 608629.
Joubert syndrome. Also called: CEREBELLOPARENCHYMAL DISORDER IV; JOUBERT-BOLTSHAUSER SYNDROME; Familial aplasia of the vermis. Identifiers: Orphanet 475, MedGen C5979921, MONDO:0018772.

gnomAD v4.1: 2 of 1,598,166 alleles (0.00013%); no homozygotes.

Submissions (2):

Fulgent Genetics
Classification: Uncertain significance for Joubert syndrome 3. Last evaluated: 2022-02-09. Review status: criteria provided, single submitter. Criteria: ACMG Guidelines, 2015. Collection method: clinical testing. Allele origin: unknown.

Labcorp Genetics (formerly Invitae), Labcorp
Classification: Uncertain significance for Joubert syndrome. Last evaluated: 2021-08-14. Review status: criteria provided, single submitter. Criteria: Invitae Variant Classification Sherloc (09022015). Collection method: clinical testing. Allele origin: germline.
Comment: This sequence change replaces threonine with alanine at codon 874 of the AHI1 protein (p.Thr874Ala). The threonine residue is highly conserved and there is a small physicochemical difference between threonine and alanine. This variant is not present in population databases (ExAC no frequency). This variant has not been reported in the literature in individuals affected with AHI1-related conditions. Advanced modeling of protein sequence and biophysical properties (such as structural, functional, and spatial information, amino acid conservation, physicochemical variation, residue mobility, and thermodynamic stability) performed at Invitae indicates that this missense variant is expected to disrupt AHI1 protein function. In summary, the available evidence is currently insufficient to determine the role of this variant in disease. Therefore, it has been classified as a Variant of Uncertain Significance.

NM_001134831.2(AHI1):c.2620A>G (p.Thr874Ala)

Gene: AHI1 (Abelson helper integration site 1; minus strand). Cytogenetic location: 6q23.3.
Variant type: single nucleotide variant.
Coding change: c.2620A>G on transcript NM_001134831.2 (MANE Select); coding-DNA position 2620, A replaced by G.
Protein change: p.Thr874Ala; replaces threonine 874 with alanine.
Molecular consequence: missense variant.
Genome position (GRCh38, 1-based): chr6:135,428,632, T>C on the plus strand (A>G on the coding strand, the complement: AHI1 is on the minus strand). VCF-style: chr6-135428632-T-C. GRCh37 (hg19) VCF-style: chr6-135749770-T-C.
Other names: c.2620A>G, p.Thr874Ala (NM_001134830.2, NM_001134832.2, NM_001350503.2 and 2 more transcripts); short protein forms T874A.
Identifiers: ClinVar variation 1479853 (VCV001479853.6), dbSNP rs376705634, ClinGen allele CA148118649.